The following is an entry in ClinVar:

NM_020631.6(PLEKHG5):c.1334G>T (p.Cys445Phe)

Gene: PLEKHG5 (pleckstrin homology and RhoGEF domain containing G5; minus strand). Cytogenetic location: 1p36.31.
Variant type: single nucleotide variant.
Coding change: c.1334G>T on transcript NM_020631.6 (MANE Select); coding-DNA position 1334, G replaced by T.
Protein change: p.Cys445Phe; replaces cysteine 445 with phenylalanine.
Molecular consequence: missense variant.
Genome position (GRCh38, 1-based): chr1:6,471,048, C>A on the plus strand (G>T on the coding strand, the complement: PLEKHG5 is on the minus strand). VCF-style: chr1-6471048-C-A. GRCh37 (hg19) VCF-style: chr1-6531108-C-A.
Other names: c.1445G>T, p.Cys482Phe (NM_001042663.3, NM_001265592.2); c.1334G>T, p.Cys445Phe (NM_001042664.2, NM_001042665.2, NM_001265594.3 and 1 more transcripts); c.1541G>T, p.Cys514Phe (NM_001265593.2); short protein forms C482F, C445F, C514F.
Identifiers: ClinVar variation 2148993 (VCV002148993.1), dbSNP rs1236863703, ClinGen allele CA338127870.
Genomic context (GRCh38, chr1:6,471,048, plus strand): 5'-ACCGTGATGTAGGCCCGGAAGAGGTCGTTGTCGCGCAGCAGGCCGCGCATGTACTCCATG[C>A]AGCCCTCCTCCTCCATGCAGTAGCGGATGTAGGGCTTGAAGAGCGAGCCGAACTGGCCCG-3'
Protein context (NP_065682.2, residues 435-455): YIRYCMEEEG[Cys445Phe]MEYMRGLLRD

ClinVar aggregate classification (germline): Uncertain significance (1 of 4 stars; one submission).

Conditions:
Neuronopathy, distal hereditary motor, autosomal recessive 4. Also called: Autosomal recessive lower motor neuron disease with childhood onset; NEUROPATHY, DISTAL HEREDITARY MOTOR, AUTOSOMAL RECESSIVE 4. Identifiers: Orphanet 206580, MedGen C1970211, MONDO:0012608, OMIM 611067.
Charcot-Marie-Tooth disease recessive intermediate C. Also called: CHARCOT-MARIE-TOOTH NEUROPATHY, RECESSIVE INTERMEDIATE C. Identifiers: Orphanet 369867, MedGen C3809309, MONDO:0014154, OMIM 615376.

gnomAD v4.1: 1 of 1,604,716 alleles (0.000062%); highest among the groups gnomAD compares: Non-Finnish European, 0.000085%; no homozygotes.

Submission:

Labcorp Genetics (formerly Invitae), Labcorp
Classification: Uncertain significance for Neuronopathy, distal hereditary motor, autosomal recessive 4; Charcot-Marie-Tooth disease recessive intermediate C. Last evaluated: 2022-04-28. Review status: criteria provided, single submitter. Criteria: Invitae Variant Classification Sherloc (09022015). Collection method: clinical testing. Allele origin: germline.
Comment: This sequence change replaces cysteine, which is neutral and slightly polar, with phenylalanine, which is neutral and non-polar, at codon 445 of the PLEKHG5 protein (p.Cys445Phe). The frequency data for this variant in the population databases is considered unreliable, as metrics indicate poor data quality at this position in the gnomAD database. This variant has not been reported in the literature in individuals affected with PLEKHG5-related conditions. Algorithms developed to predict the effect of missense changes on protein structure and function are either unavailable or do not agree on the potential impact of this missense change (SIFT: "Deleterious"; PolyPhen-2: "Possibly Damaging"; Align-GVGD: "Class C0"). In summary, the available evidence is currently insufficient to determine the role of this variant in disease. Therefore, it has been classified as a Variant of Uncertain Significance.